The following is an entry in ClinVar:

NM_001278116.2(L1CAM):c.3583C>G (p.Leu1195Val)

Gene: L1CAM (L1 cell adhesion molecule; minus strand). Cytogenetic location: Xq28.
Variant type: single nucleotide variant.
Coding change: c.3583C>G on transcript NM_001278116.2 (MANE Select); coding-DNA position 3583, C replaced by G.
Protein change: p.Leu1195Val; replaces leucine 1195 with valine.
Molecular consequence: missense variant.
Genome position (GRCh38, 1-based): chrX:153,862,854, G>C on the plus strand (C>G on the coding strand, the complement: L1CAM is on the minus strand). VCF-style: chrX-153862854-G-C. GRCh37 (hg19) VCF-style: chrX-153128309-G-C.
Other names: c.3583C>G, p.Leu1195Val (NM_000425.5); c.3556C>G, p.Leu1186Val (NM_001143963.2); c.3571C>G, p.Leu1191Val (NM_024003.3); short protein forms L1186V, L1191V, L1195V.
Identifiers: ClinVar variation 2580534 (VCV002580534.2), dbSNP rs1489518994, ClinGen allele CA415107494.
Genomic context (GRCh38, chrX:153,862,854, plus strand): 5'-CGCTGCCCCCATAATCGGCCAGGCTGTCGTCACTGCCCAGGGGCTTGATGTCCCCGTTGA[G>C]CGATGGCTGGCTGCTGCCAAAGGCCTTCTCCTCGTTGTCACTGCAGAGGCACAGGGCAGG-3'
Protein context (NP_001265045.1, residues 1185-1205): EKAFGSSQPS[Leu1195Val]NGDIKPLGSD

ClinVar aggregate classification (germline): Uncertain significance (1 of 4 stars; one submission).

Allele frequency attached by ClinVar (database versions not stated): gnomAD 0.00002; TOPMed 0.00003.
gnomAD v4.1: 2 of 1,211,186 alleles (0.00017%); highest among the groups gnomAD compares: African/African-American, 0.0035%; no homozygotes.

Submission:

GeneDx
Classification: Uncertain significance. Last evaluated: 2024-11-05. Review status: criteria provided, single submitter. Criteria: GeneDx Variant Classification Process June 2021. Collection method: clinical testing. Allele origin: germline.
Comment: Not observed at significant frequency in large population cohorts (gnomAD); In silico analysis indicates that this missense variant does not alter protein structure/function; Has not been previously published as pathogenic or benign to our knowledge